The following is an entry in ClinVar:

NM_013280.5(FLRT1):c.1355G>A (p.Arg452His)

Genes: FLRT1 (fibronectin leucine rich transmembrane protein 1; plus strand), MACROD1 (mono-ADP ribosylhydrolase 1; minus strand). Cytogenetic location: 11q13.1.
Variant type: single nucleotide variant.
Coding change: c.1355G>A on transcript NM_013280.5 (MANE Select); coding-DNA position 1355, G replaced by A.
Protein change: p.Arg452His; replaces arginine 452 with histidine.
Molecular consequence: missense variant. On other transcripts: intron variant (2).
Genome position (GRCh38, 1-based): chr11:64,117,622, G>A. VCF-style: chr11-64117622-G-A. GRCh37 (hg19) VCF-style: chr11-63885094-G-A.
Other names: c.1355G>A, p.Arg452His (NM_001384466.1); c.1271G>A, p.Arg424His (NM_001423967.1); c.517+33617C>T (NM_001411019.1, NM_014067.4); short protein forms R452H, R424H.
Identifiers: ClinVar variation 530939 (VCV000530939.9), dbSNP rs150825004, ClinGen allele CA6067687.

ClinVar aggregate classification (germline): Uncertain significance. Review status: criteria provided, multiple submitters, no conflicts (2 of 4 stars). 2 submissions from 2 submitters: Uncertain significance (2). Last evaluated 2025-02-25.

Conditions:
Peripheral neuropathy. Also called: Neuropathy. Identifiers: MedGen C0031117, MONDO:0005244, HP:0009830.

Allele frequency attached by ClinVar (database versions not stated): gnomAD 0.00002 and 0.00003; gnomAD exomes 0.00002 and 0.00004; ExAC 0.00003; TOPMed 0.00006; ESP Exome Variant Server 0.00031.
gnomAD v4.1: 65 of 1,613,560 alleles (0.004%); highest among the groups gnomAD compares: Non-Finnish European, 0.0046%; no homozygotes.

Submissions (2):

Ambry Genetics
Classification: Uncertain significance. Last evaluated: 2025-02-25. Review status: criteria provided, single submitter. Criteria: Ambry Variant Classification Scheme 2023. Collection method: clinical testing. Allele origin: germline.

Labcorp Genetics (formerly Invitae), Labcorp
Classification: Uncertain significance for Peripheral neuropathy. Last evaluated: 2017-09-06. Review status: criteria provided, single submitter. Criteria: Invitae Variant Classification Sherloc (09022015). Collection method: clinical testing. Allele origin: germline.
Comment: In summary, the available evidence is currently insufficient to determine the role of this variant in disease. Therefore, it has been classified as a Variant of Uncertain Significance. This sequence change replaces arginine with histidine at codon 452 of the FLRT1 protein (p.Arg452His). The arginine residue is highly conserved and there is a small physicochemical difference between arginine and histidine. This variant is present in population databases (rs150825004, ExAC 0.02%). This variant has not been reported in the literature in individuals with FLRT1-related disease. Algorithms developed to predict the effect of missense changes on protein structure and function (SIFT, PolyPhen-2, Align-GVGD) all suggest that this variant is likely to be tolerated, but these predictions have not been confirmed by published functional studies and their clinical significance is uncertain.